The following is an entry in ClinVar:

NM_001369.3(DNAH5):c.2102dup (p.Gly702fs)

Genes: DNAH5 (dynein axonemal heavy chain 5; minus strand), DNAH5-AS1 (DNAH5 antisense RNA 1; plus strand). Cytogenetic location: 5p15.2.
Variant type: Duplication.
Coding change: c.2102dup on transcript NM_001369.3 (MANE Select); coding-DNA position 2102, one base duplicated (C; older notation c.2102dupC).
Protein change: p.Gly702fs; shifts the reading frame from glycine 702.
Molecular consequence: frameshift variant. On other transcripts: non-coding transcript variant (1).
Genome position (GRCh38, 1-based): chr5:13,900,363, G duplicated on the plus strand (C on the coding strand, the reverse complement: DNAH5 is on the minus strand); the first of 2 consecutive G bases (chr5:13,900,363-13,900,364); duplicating either gives the same sequence. VCF-style (leftmost placement, unchanged base first): chr5-13900362-T-TG. GRCh37 (hg19) VCF-style: chr5-13900471-T-TG.
Other names: short protein forms G702fs.
Identifiers: ClinVar variation 5012294 (VCV005012294.1).

ClinVar aggregate classification (germline): Pathogenic (1 of 4 stars; one submission).

Conditions:
Primary ciliary dyskinesia 3. Identifiers: Orphanet 244, MedGen C1837618, MONDO:0012085, OMIM 608644.

Submission:

Myriad Genetics, Inc.
Classification: Pathogenic for Primary ciliary dyskinesia 3. Last evaluated: 2023-09-27. Review status: criteria provided, single submitter. Criteria: Myriad Autosomal Dominant, Autosomal Recessive and X-Linked Classification Criteria (2023). Collection method: clinical testing. Allele origin: unknown.
Comment: NM_001369.2(DNAH5):c.2102dupC(G702Rfs*10) is expected to be pathogenic in the context of primary ciliary dyskinesia, DNAH5-related. This variant is predicted to lead to an abnormal or absent protein product due to the creation of a premature termination codon in DNAH5, a gene where loss-of-function variants are known to be pathogenic. Please note: this variant was assessed in the context of healthy population screening.